The following is an entry in ClinVar:

NM_004370.6(COL12A1):c.4418-1G>A

Gene: COL12A1 (collagen type XII alpha 1 chain; minus strand). Cytogenetic location: 6q13.
Variant type: single nucleotide variant.
Coding change: c.4418-1G>A on transcript NM_004370.6 (MANE Select); the canonical splice acceptor site of the intron before coding-DNA position 4418, G replaced by A.
Molecular consequence: splice acceptor variant.
Genome position (GRCh38, 1-based): chr6:75,146,245, C>T on the plus strand (G>A on the coding strand, the complement: COL12A1 is on the minus strand). VCF-style: chr6-75146245-C-T. GRCh37 (hg19) VCF-style: chr6-75855961-C-T.
Other names: c.926-1G>A (NM_080645.3).
Identifiers: ClinVar variation 1510974 (VCV001510974.9), dbSNP rs984784417, ClinGen allele CA141001254.
Genomic context (GRCh38, chr6:75,146,245, plus strand): 5'-GCACATGCATGGTGGTAGGGCCAACATCATAAATATTCAGGCTGACTACAGGCACTGGCA[C>T]TTCCAAAACAGAAAAGCAGACCATCAGTCTAGTTCCTTTCATTCCACTCATTTTTAACCA-3'

ClinVar aggregate classification (germline): Likely pathogenic. Review status: criteria provided, multiple submitters, no conflicts (2 of 4 stars). 2 submissions from 2 submitters: Likely pathogenic (2). Last evaluated 2025-09-10.

Conditions:
Ullrich congenital muscular dystrophy 2 (UCMD2). Identifiers: Orphanet 75840, MedGen C4225314, MONDO:0014654, OMIM 616470.
Bethlem myopathy 2 (BTHLM2). Identifiers: Orphanet 536516, Orphanet 610, MedGen C4225313, MONDO:0034022, OMIM 616471.

Allele frequency attached by ClinVar (database versions not stated): gnomAD 0.00001.
gnomAD v4.1: 2 of 1,591,836 alleles (0.00013%); highest among the groups gnomAD compares: African/African-American, 0.0014%; no homozygotes.

Submissions (2):

Genomic Medicine Center of Excellence, King Faisal Specialist Hospital and Research Centre
Classification: Likely pathogenic for Bethlem myopathy 2. Last evaluated: 2025-09-10. Review status: criteria provided, single submitter. Criteria: ACMG Guidelines, 2015. Collection method: clinical testing. Allele origin: germline.

Labcorp Genetics (formerly Invitae), Labcorp
Classification: Likely pathogenic for Bethlem myopathy 2; Ullrich congenital muscular dystrophy 2. Last evaluated: 2024-10-05. Review status: criteria provided, single submitter. Criteria: Invitae Variant Classification Sherloc (09022015). Collection method: clinical testing. Allele origin: germline.
Comment: This sequence change affects an acceptor splice site in intron 23 of the COL12A1 gene. It is expected to disrupt RNA splicing. Variants that disrupt the donor or acceptor splice site typically lead to a loss of protein function (PMID: 16199547), and loss-of-function variants in COL12A1 are known to be pathogenic (PMID: 24334604, 28973083). This variant is present in population databases (no rsID available, gnomAD 0.01%). This variant has not been reported in the literature in individuals affected with COL12A1-related conditions. ClinVar contains an entry for this variant (Variation ID: 1510974). Algorithms developed to predict the effect of sequence changes on RNA splicing suggest that this variant may disrupt the consensus splice site. In summary, the currently available evidence indicates that the variant is pathogenic, but additional data are needed to prove that conclusively. Therefore, this variant has been classified as Likely Pathogenic.

Literature cited by the submitters: PubMed 16199547 (cited by Labcorp Genetics (formerly Invitae), Labcorp); PubMed 24334604 (cited by Labcorp Genetics (formerly Invitae), Labcorp); PubMed 28973083 (cited by Labcorp Genetics (formerly Invitae), Labcorp).